The following is an entry in ClinVar:

NM_198578.4(LRRK2):c.457_458delinsCG (p.Leu153Arg)

Gene: LRRK2 (leucine rich repeat kinase 2; plus strand). Cytogenetic location: 12q12.
Variant type: Indel.
Coding change: c.457_458delinsCG on transcript NM_198578.4 (MANE Select); coding-DNA positions 457 to 458, TT replaced by CG.
Protein change: p.Leu153Arg; replaces leucine 153 with arginine.
Molecular consequence: missense variant.
Genome position (GRCh38, 1-based): chr12:40,237,989-40,237,990, TT replaced by CG. VCF-style: chr12-40237989-TT-CG. GRCh37 (hg19) VCF-style: chr12-40631791-TT-CG.
Other names: short protein forms L153R.
Identifiers: ClinVar variation 4809398 (VCV004809398.1).

ClinVar aggregate classification (germline): Uncertain significance (1 of 4 stars; one submission).

Conditions:
Autosomal dominant Parkinson disease 8. Also called: Parkinson disease 8, susceptibility to; LRRK2-Related Parkinson Disease; Parkinson disease 8. Identifiers: Orphanet 411602, MedGen C1846862, MONDO:0011764, OMIM 607060.

Submission:

Labcorp Genetics (formerly Invitae), Labcorp
Classification: Uncertain significance for Autosomal dominant Parkinson disease 8. Last evaluated: 2025-10-17. Review status: criteria provided, single submitter. Criteria: Invitae Variant Classification Sherloc (09022015). Collection method: clinical testing. Allele origin: germline.
Comment: This sequence change replaces leucine, which is neutral and non-polar, with arginine, which is basic and polar, at codon 153 of the LRRK2 protein (p.Leu153Arg). This variant is present in population databases (no rsID available, gnomAD 0.003%). This missense change has been observed in individual(s) with Alzheimer's disease (PMID: 30954774). An algorithm developed to predict the effect of missense changes on protein structure and function (PolyPhen-2) suggests that this variant is likely to be disruptive. In summary, the available evidence is currently insufficient to determine the role of this variant in disease. Therefore, it has been classified as a Variant of Uncertain Significance.

Literature cited by the submitters: PubMed 30954774.